The following is an entry in ClinVar:

ClinVar aggregate classification (germline): Uncertain significance (1 of 4 stars; one submission).

Conditions:
Hereditary cancer-predisposing syndrome. Also called: Hereditary neoplastic syndrome; Neoplastic Syndromes, Hereditary; Tumor predisposition; Hereditary Cancer Syndrome. Identifiers: Orphanet 140162, MedGen C0027672, MeSH D009386, MONDO:0015356.

Submission:

Ambry Genetics
Classification: Uncertain significance for Hereditary cancer-predisposing syndrome. Last evaluated: 2025-06-29. Review status: criteria provided, single submitter. Criteria: Ambry Variant Classification Scheme 2023. Collection method: clinical testing. Allele origin: germline.
Comment: The p.L69I variant (also known as c.205C>A), located in coding exon 3 of the POT1 gene, results from a C to A substitution at nucleotide position 205. The leucine at codon 69 is replaced by isoleucine, an amino acid with highly similar properties. This amino acid position is conserved. In addition, the in silico prediction for this alteration is inconclusive. Based on the available evidence, the clinical significance of this variant remains unclear.

NM_015450.3(POT1):c.205C>A (p.Leu69Ile)

Gene: POT1 (protection of telomeres 1; minus strand). Cytogenetic location: 7q31.33.
Variant type: single nucleotide variant.
Coding change: c.205C>A on transcript NM_015450.3 (MANE Select); coding-DNA position 205, C replaced by A.
Protein change: p.Leu69Ile; replaces leucine 69 with isoleucine.
Molecular consequence: missense variant. On other transcripts: non-coding transcript variant (3), intron variant (1).
Genome position (GRCh38, 1-based): chr7:124,870,961, G>T on the plus strand (C>A on the coding strand, the complement: POT1 is on the minus strand). VCF-style: chr7-124870961-G-T. GRCh37 (hg19) VCF-style: chr7-124511015-G-T.
Other names: c.-138-7321C>A (NM_001042594.2); short protein forms L69I.
Identifiers: ClinVar variation 4141924 (VCV004141924.1).